The following is an entry in ClinVar:

NM_172107.4(KCNQ2):c.2141C>A (p.Pro714His)

Gene: KCNQ2 (potassium voltage-gated channel subfamily Q member 2; minus strand). Cytogenetic location: 20q13.33.
Variant type: single nucleotide variant.
Coding change: c.2141C>A on transcript NM_172107.4 (MANE Select); coding-DNA position 2141, C replaced by A.
Protein change: p.Pro714His; replaces proline 714 with histidine.
Molecular consequence: missense variant.
Genome position (GRCh38, 1-based): chr20:63,407,122, G>T on the plus strand (C>A on the coding strand, the complement: KCNQ2 is on the minus strand). VCF-style: chr20-63407122-G-T. GRCh37 (hg19) VCF-style: chr20-62038475-G-T.
Other names: c.2141C>A (NM_172107.2); c.2195C>A, p.Pro732His (NM_001382235.1); c.2057C>A, p.Pro686His (NM_004518.6); c.2087C>A, p.Pro696His (NM_172106.3); c.2048C>A, p.Pro683His (NM_172108.5); short protein forms P683H, P686H, P696H, P714H, P732H.
Identifiers: ClinVar variation 3336050 (VCV003336050.2).

ClinVar aggregate classification (germline): Uncertain significance. Review status: criteria provided, multiple submitters, no conflicts (2 of 4 stars). 2 submissions from 2 submitters: Uncertain significance (2). Last evaluated 2025-09-25.

Conditions:
Inborn genetic diseases. Identifiers: MedGen C0950123, MeSH D030342.

Submissions (2):

Ambry Genetics
Classification: Uncertain significance for Inborn genetic diseases. Last evaluated: 2025-09-25. Review status: criteria provided, single submitter. Criteria: Ambry Variant Classification Scheme 2023. Collection method: clinical testing. Allele origin: germline.

Women's Health and Genetics/Laboratory Corporation of America, LabCorp
Classification: Uncertain significance. Last evaluated: 2024-05-10. Review status: criteria provided, single submitter. Criteria: LabCorp Variant Classification Summary - May 2015. Collection method: clinical testing. Allele origin: germline.
Comment: Variant summary: KCNQ2 c.2141C>A (p.Pro714His) results in a non-conservative amino acid change in the encoded protein sequence. Five of five in-silico tools predict a damaging effect of the variant on protein function. The variant was absent in 189586 control chromosomes. The available data on variant occurrences in the general population are insufficient to allow any conclusion about variant significance. To our knowledge, no occurrence of c.2141C>A in individuals affected with KCNQ2-Related Disorders and no experimental evidence demonstrating its impact on protein function have been reported. No submitters have cited clinical-significance assessments for this variant to ClinVar. Based on the evidence outlined above, the variant was classified as uncertain significance.